The following is an entry in ClinVar:

NM_201384.3(PLEC):c.3717C>T (p.Ala1239=)

Gene: PLEC (plectin; minus strand). Cytogenetic location: 8q24.3.
Variant type: single nucleotide variant.
Coding change: c.3717C>T on transcript NM_201384.3 (MANE Select); coding-DNA position 3717, C replaced by T.
Protein change: p.Ala1239=; no amino-acid change (alanine 1239 retained).
Molecular consequence: synonymous variant.
Genome position (GRCh38, 1-based): chr8:143,927,449, G>A on the plus strand (C>T on the coding strand, the complement: PLEC is on the minus strand). VCF-style: chr8-143927449-G-A. GRCh37 (hg19) VCF-style: chr8-145001617-G-A.
Other names: p.Ala1225=; c.3798C>T, p.Ala1266= (NM_000445.5); c.3675C>T, p.Ala1225= (NM_201378.4); c.3651C>T, p.Ala1217= (NM_201379.3); c.4128C>T, p.Ala1376= (NM_201380.4); c.3621C>T, p.Ala1207= (NM_201381.3); c.3717C>T, p.Ala1239= (NM_201382.4); c.3729C>T, p.Ala1243= (NM_201383.3).
Identifiers: ClinVar variation 129944 (VCV000129944.21), dbSNP rs112173070, ClinGen allele CA154519.

ClinVar aggregate classification (germline): Benign. Review status: criteria provided, multiple submitters, no conflicts (2 of 4 stars). 7 submissions from 7 submitters: Benign (6). 1 of the submissions does not count toward it. Last evaluated 2026-02-01.

Conditions:
Epidermolysis bullosa simplex 5C, with pyloric atresia (EBS5C). Also called: PLEC-Related Epidermolysis Bullosa with Pyloric Atresia; Epidermolysis bullosa simplex with pyloric atresia; PLEC1-Related Epidermolysis Bullosa with Pyloric Atresia. Identifiers: Orphanet 158684, MedGen C2677349, MONDO:0012807, OMIM 612138.
Autosomal recessive limb-girdle muscular dystrophy type 2Q (LGMDR17). Also called: MUSCULAR DYSTROPHY, LIMB-GIRDLE, AUTOSOMAL RECESSIVE 17. Identifiers: Orphanet 254361, MedGen C3150989, MONDO:0013390, OMIM 613723.
Epidermolysis bullosa simplex with nail dystrophy (EBS5D). Identifiers: MedGen C4225309, MONDO:0014661, OMIM 616487.
Epidermolysis bullosa simplex 5B, with muscular dystrophy (EBS5B). Also called: Epidermolysis bullosa simplex with muscular dystrophy; EPIDERMOLYSIS BULLOSA SIMPLEX AND LIMB-GIRDLE MUSCULAR DYSTROPHY. Identifiers: Orphanet 257, MedGen C2931072, MONDO:0009181, OMIM 226670.
Epidermolysis bullosa simplex, Ogna type (EBS5A). Also called: Pidermolysis bullosa simplex 5A, Ogna type; EPIDERMOLYSIS BULLOSA SIMPLEX 5A, OGNA TYPE. Identifiers: Orphanet 79401, MedGen C0432317, MONDO:0007555, OMIM 131950.

Allele frequency attached by ClinVar (database versions not stated): gnomAD exomes 0.01564 and 0.01837; ExAC 0.02089; 1000 Genomes Project 0.04233; gnomAD 0.04374 and 0.04668; ESP Exome Variant Server 0.04506; 1000 Genomes Project 30x 0.04544; TOPMed 0.04830.
gnomAD v4.1: 29,489 of 1,598,870 alleles (1.8%); highest among the groups gnomAD compares: African/African-American, 13%; 729 homozygotes.

Submissions (7):

Labcorp Genetics (formerly Invitae), Labcorp
Classification: Benign for Autosomal recessive limb-girdle muscular dystrophy type 2Q; Epidermolysis bullosa simplex, Ogna type; Epidermolysis bullosa simplex with nail dystrophy; Epidermolysis bullosa simplex 5C, with pyloric atresia; Epidermolysis bullosa simplex 5B, with muscular dystrophy. Last evaluated: 2026-02-01. Review status: criteria provided, single submitter. Criteria: Invitae Variant Classification Sherloc (09022015). Collection method: clinical testing. Allele origin: germline.

Mayo Clinic Laboratories, Mayo Clinic
Classification: Benign. Last evaluated: 2018-02-20. Review status: criteria provided, single submitter. Criteria: ACMG Guidelines, 2015. Collection method: clinical testing. Allele origin: germline. Observed: 70 variant alleles.

GeneDx
Classification: Benign. Last evaluated: 2016-03-21. Review status: criteria provided, single submitter. Criteria: GeneDx Variant Classification (06012015). Collection method: clinical testing. Allele origin: germline. Affected: yes.
Comment: This variant is considered likely benign or benign based on one or more of the following criteria: it is a conservative change, it occurs at a poorly conserved position in the protein, it is predicted to be benign by multiple in silico algorithms, and/or has population frequency not consistent with disease.

Eurofins Ntd Llc (ga)
Classification: Benign. Last evaluated: 2014-01-23. Review status: criteria provided, single submitter. Criteria: EGL Classification Definitions 2015. Collection method: clinical testing. Allele origin: germline. Observed: 2 variant alleles, 2 heterozygotes.

Breakthrough Genomics
Classification: Benign. Review status: criteria provided, single submitter. Criteria: ACMG Guidelines, 2015. Collection method: not provided. Allele origin: germline. Inheritance: Autosomal recessive inheritance. Affected: yes.

PreventionGenetics, part of Exact Sciences
Classification: Benign. Review status: criteria provided, single submitter. Criteria: ACMG Guidelines, 2015. Collection method: clinical testing. Allele origin: germline.

Genetic Services Laboratory, University of Chicago
Classification: Likely benign for AllHighlyPenetrant. Review status: no assertion criteria provided. Collection method: clinical testing. Allele origin: germline. Inheritance: Autosomal recessive inheritance. Not counted in ClinVar's aggregate classification.
Comment: Likely benign based on allele frequency in 1000 Genomes Project or ESP global frequency and its presence in a patient with a rare or unrelated disease phenotype. NOT Sanger confirmed.